The following is an entry in ClinVar:

ClinVar aggregate classification (germline): Uncertain significance. Review status: criteria provided, multiple submitters, no conflicts (2 of 4 stars). 3 submissions from 3 submitters: Uncertain significance (2). 1 of the submissions does not count toward it. Last evaluated 2024-05-22.

Conditions:
Meckel-Gruber syndrome. Also called: Dysencephalia splachnocystica; DYSENCEPHALIA SPLANCHNOCYSTICA; GRUBER SYNDROME. Identifiers: Orphanet 564, MedGen C0265215, MONDO:0018921.
Joubert syndrome. Also called: Familial aplasia of the vermis; JOUBERT-BOLTSHAUSER SYNDROME. Identifiers: Orphanet 475, MedGen C5979921, MONDO:0018772.
Meckel syndrome, type 6. Identifiers: Orphanet 564, MedGen C2676790, MONDO:0012848, OMIM 612284.
Joubert syndrome 9 (JBTS9). Identifiers: Orphanet 2318, MedGen C2676788, MONDO:0012849, OMIM 612285.
Retinitis pigmentosa 93. Identifiers: MedGen C5676970, MONDO:0030797, OMIM 619845.
COACH syndrome 2. Identifiers: MedGen C5436837, MONDO:0030859, OMIM 619111.
CC2D2A-related disorder. Also called: CC2D2A-related disorders; CC2D2A-related condition. Identifiers: MedGen CN239313.

Allele frequency attached by ClinVar (database versions not stated): ExAC 0.00001; gnomAD 0.00001; gnomAD exomes 0.00001; TOPMed 0.00001.

Submissions (3):

Fulgent Genetics
Classification: Uncertain significance for Meckel syndrome, type 6; Joubert syndrome 9; COACH syndrome 2; Retinitis pigmentosa 93. Last evaluated: 2024-05-22. Review status: criteria provided, single submitter. Criteria: ACMG Guidelines, 2015. Collection method: clinical testing. Allele origin: germline.

Labcorp Genetics (formerly Invitae), Labcorp
Classification: Uncertain significance for Joubert syndrome; Meckel-Gruber syndrome. Last evaluated: 2021-08-28. Review status: criteria provided, single submitter. Criteria: Invitae Variant Classification Sherloc (09022015). Collection method: clinical testing. Allele origin: germline.
Comment: This sequence change replaces methionine with threonine at codon 1509 of the CC2D2A protein (p.Met1509Thr). The methionine residue is moderately conserved and there is a moderate physicochemical difference between methionine and threonine. This variant is present in population databases (rs760863691, ExAC 0.002%). This variant has not been reported in the literature in individuals affected with CC2D2A-related conditions. Algorithms developed to predict the effect of missense changes on protein structure and function (SIFT, PolyPhen-2, Align-GVGD) all suggest that this variant is likely to be tolerated. In summary, the available evidence is currently insufficient to determine the role of this variant in disease. Therefore, it has been classified as a Variant of Uncertain Significance.

PreventionGenetics, part of Exact Sciences
Classification: Uncertain significance for CC2D2A-related condition. Last evaluated: 2024-06-21. Review status: no assertion criteria provided. Collection method: clinical testing. Allele origin: germline. Not counted in ClinVar's aggregate classification.
Comment: The CC2D2A c.4526T>C variant is predicted to result in the amino acid substitution p.Met1509Thr. To our knowledge, this variant has not been reported in the literature. This variant is reported in 0.0019% of alleles in individuals of European (non-Finnish) descent in gnomAD. At this time, the clinical significance of this variant is uncertain due to the absence of conclusive functional and genetic evidence.

NM_001378615.1(CC2D2A):c.4526T>C (p.Met1509Thr)

Genes: CC2D2A (coiled-coil and C2 domain containing 2A; plus strand), FBXL5 (F-box and leucine rich repeat protein 5; minus strand). Cytogenetic location: 4p15.32.
Variant type: single nucleotide variant.
Coding change: c.4526T>C on transcript NM_001378615.1 (MANE Select); coding-DNA position 4526, T replaced by C.
Protein change: p.Met1509Thr; replaces methionine 1509 with threonine.
Molecular consequence: missense variant.
Genome position (GRCh38, 1-based): chr4:15,599,558, T>C. VCF-style: chr4-15599558-T-C. GRCh37 (hg19) VCF-style: chr4-15601181-T-C.
Other names: c.4526T>C, p.Met1509Thr (NM_001080522.2); c.4379T>C, p.Met1460Thr (NM_001378617.1); short protein forms M1460T, M1509T.
Identifiers: ClinVar variation 957994 (VCV000957994.10), dbSNP rs760863691, ClinGen allele CA2864407.
Genomic context (GRCh38, chr4:15,599,558, plus strand): 5'-CCAAAAAATGGAATTTATGTTTTGTGAACAGGATTGAAAAAATACTAAAAGAAAAAATCA[T>C]GGACTGGAGGCCACGCCATCTGACTCGGTGGAATAGGTATTGTACCTCTACTCTGCGTCA-3'
Protein context (NP_001365544.1, residues 1499-1519): RIEKILKEKI[Met1509Thr]DWRPRHLTRW